The following is an entry in ClinVar:

NM_001365951.3(KIF1B):c.4525C>T (p.Arg1509Cys)

Gene: KIF1B (kinesin family member 1B; plus strand). Cytogenetic location: 1p36.22.
Variant type: single nucleotide variant.
Coding change: c.4525C>T on transcript NM_001365951.3 (MANE Select); coding-DNA position 4525, C replaced by T.
Protein change: p.Arg1509Cys; replaces arginine 1509 with cysteine.
Molecular consequence: missense variant.
Genome position (GRCh38, 1-based): chr1:10,365,421, C>T. VCF-style: chr1-10365421-C-T. GRCh37 (hg19) VCF-style: chr1-10425479-C-T.
Other names: c.4525C>T, p.Arg1509Cys (NM_001365952.1); c.4387C>T, p.Arg1463Cys (NM_015074.3); short protein forms R1463C, R1509C.
Identifiers: ClinVar variation 374063 (VCV000374063.16), dbSNP rs757850683, ClinGen allele CA582113.

ClinVar aggregate classification (germline): Uncertain significance. Review status: criteria provided, multiple submitters, no conflicts (2 of 4 stars). 6 submissions from 6 submitters: Uncertain significance (6). Last evaluated 2026-01-20.

Conditions:
EMG abnormality. Identifiers: MedGen C0476403, HP:0003457.
EMG: axonal abnormality. Identifiers: MedGen C4025609, HP:0003482.
Vitiligo. Identifiers: Orphanet 247871, MedGen C0042900, MONDO:0008661, HP:0001045.
Distal muscle weakness. Identifiers: MedGen C0427065, HP:0002460.
Charcot-Marie-Tooth disease type 2. Also called: Charcot-Marie-Tooth type 2. Identifiers: Orphanet 64746, MedGen C0270914, MONDO:0018993.
Neuroblastoma, susceptibility to, 1. Identifiers: MedGen C2749485, MONDO:0009741, OMIM 256700.
Charcot-Marie-Tooth disease type 2A1. Also called: CHARCOT-MARIE-TOOTH DISEASE, AXONAL, TYPE 2A1; HEREDITARY MOTOR AND SENSORY NEUROPATHY IIA1; CHARCOT-MARIE-TOOTH DISEASE, AXONAL, AUTOSOMAL DOMINANT, TYPE 2A1; CHARCOT-MARIE-TOOTH DISEASE, NEURONAL, TYPE 2A1; CHARCOT-MARIE-TOOTH NEUROPATHY, TYPE 2A1. Identifiers: Orphanet 99946, MedGen C1861678, MONDO:0007308, OMIM 118210.

Allele frequency attached by ClinVar (database versions not stated): ExAC 0.00002; gnomAD exomes 0.00002; gnomAD 0.00004 and 0.00003; TOPMed 0.00002.
gnomAD v4.1: 42 of 1,614,098 alleles (0.0026%); highest among the groups gnomAD compares: South Asian, 0.014%; no homozygotes.

Submissions (6):

Labcorp Genetics (formerly Invitae), Labcorp
Classification: Uncertain significance for Charcot-Marie-Tooth disease type 2. Last evaluated: 2026-01-20. Review status: criteria provided, single submitter. Criteria: Invitae Variant Classification Sherloc (09022015). Collection method: clinical testing. Allele origin: germline.
Comment: This sequence change replaces arginine, which is basic and polar, with cysteine, which is neutral and slightly polar, at codon 1463 of the KIF1B protein (p.Arg1463Cys). This variant is present in population databases (rs757850683, gnomAD 0.008%). This variant has not been reported in the literature in individuals affected with KIF1B-related conditions. ClinVar contains an entry for this variant (Variation ID: 374063). An algorithm developed to predict the effect of missense changes on protein structure and function (PolyPhen-2) suggests that this variant is likely to be disruptive. In summary, the available evidence is currently insufficient to determine the role of this variant in disease. Therefore, it has been classified as a Variant of Uncertain Significance.

Ambry Genetics
Classification: Uncertain significance. Last evaluated: 2025-08-23. Review status: criteria provided, single submitter. Criteria: Ambry Variant Classification Scheme 2023. Collection method: clinical testing. Allele origin: germline.

Dasa
Classification: Uncertain significance. Last evaluated: 2025-05-06. Review status: criteria provided, single submitter. Criteria: DASA Assertion Criteria. Collection method: clinical testing. Allele origin: germline.
Comment: NM_001365951.3(KIF1B):c.4525C>T (p.Arg1509Cys) is a missense variant that results in the substitution of arginine with cysteine. This variant is rare in population databases. Computational prediction algorithms are consistent with a deleterious effect. The currently available literature and clinical evidence are not sufficient to establish a definitive association between this variant and the reported condition. Therefore, this variant is classified as a variant of uncertain significance.

Fulgent Genetics
Classification: Uncertain significance for Charcot-Marie-Tooth disease type 2A1; Neuroblastoma, susceptibility to, 1. Last evaluated: 2024-04-10. Review status: criteria provided, single submitter. Criteria: ACMG Guidelines, 2015. Collection method: clinical testing. Allele origin: germline.

Revvity Omics, Revvity
Classification: Uncertain significance for Charcot-Marie-Tooth disease type 2A1. Last evaluated: 2024-01-11. Review status: criteria provided, single submitter. Criteria: ACMG Guidelines, 2015. Collection method: clinical testing. Allele origin: germline.

Centre for Mendelian Genomics, University Medical Centre Ljubljana
Classification: Uncertain significance for Distal muscle weakness; EMG abnormality; EMG: axonal abnormality; Vitiligo. Last evaluated: 2015-10-06. Review status: criteria provided, single submitter. Criteria: ACMG Guidelines, 2015. Collection method: clinical testing. Allele origin: unknown. Affected: yes.